The following is an entry in ClinVar:

ClinVar aggregate classification (germline): Likely benign (1 of 4 stars; one submission).

gnomAD v4.1: 2,479 of 1,613,394 alleles (0.15%); highest among the groups gnomAD compares: Non-Finnish European, 0.2%; 3 homozygotes.

Submission:

CeGaT Center for Human Genetics Tuebingen
Classification: Likely benign. Last evaluated: 2026-04-01. Review status: criteria provided, single submitter. Criteria: CeGaT Center For Human Genetics Tuebingen Variant Classification Criteria Version 2. Collection method: clinical testing. Allele origin: germline. Affected: yes. Observed: 5 variant alleles.
Comment: GNAI1: BP4, BP7

NM_002069.6(GNAI1):c.690C>T (p.Tyr230=)

Gene: GNAI1 (G protein subunit alpha i1; plus strand). Cytogenetic location: 7q21.11.
Variant type: single nucleotide variant.
Coding change: c.690C>T on transcript NM_002069.6 (MANE Select); coding-DNA position 690, C replaced by T.
Protein change: p.Tyr230=; no amino-acid change (tyrosine 230 retained).
Molecular consequence: synonymous variant.
Genome position (GRCh38, 1-based): chr7:80,211,068, C>T. VCF-style: chr7-80211068-C-T. GRCh37 (hg19) VCF-style: chr7-79840384-C-T.
Other names: c.534C>T, p.Tyr178= (NM_001256414.2).
Identifiers: ClinVar variation 3388319 (VCV003388319.14).
Genomic context (GRCh38, chr7:80,211,068, plus strand): 5'-GTGGATTCATTGCTTCGAAGGAGTGACGGCGATCATCTTCTGTGTAGCACTGAGTGACTA[C>T]GACCTGGTTCTAGCTGAAGATGAAGAAATGGCAAGTAGAACTACTTTAAGAGTTGAGCTT-3'
Protein context (NP_002060.4, residues 220-240): AIIFCVALSD[Tyr230=]DLVLAEDEEM